The following is an entry in ClinVar:

NM_001205293.3(CACNA1E):c.6313C>T (p.Arg2105Ter)

Gene: CACNA1E (calcium voltage-gated channel subunit alpha1 E; plus strand). Cytogenetic location: 1q25.3.
Variant type: single nucleotide variant.
Coding change: c.6313C>T on transcript NM_001205293.3 (MANE Select); coding-DNA position 6313, C replaced by T.
Protein change: p.Arg2105Ter; replaces arginine 2105 with a stop codon.
Molecular consequence: nonsense.
Genome position (GRCh38, 1-based): chr1:181,796,772, C>T. VCF-style: chr1-181796772-C-T. GRCh37 (hg19) VCF-style: chr1-181765908-C-T.
Other names: c.6184C>T, p.Arg2062Ter (NM_000721.4); c.6127C>T, p.Arg2043Ter (NM_001205294.2); short protein forms R2043*, R2062*, R2105*.
Identifiers: ClinVar variation 2581850 (VCV002581850.1), dbSNP rs1425063516, ClinGen allele CA343633457.

ClinVar aggregate classification (germline): Uncertain significance (1 of 4 stars; one submission).

Allele frequency attached by ClinVar (database versions not stated): gnomAD exomes below 0.00001.
gnomAD v4.1: 2 of 1,612,736 alleles (0.00012%); highest among the groups gnomAD compares: Admixed American, 0.0017%; no homozygotes.

Submission:

GeneDx
Classification: Uncertain significance. Last evaluated: 2023-03-30. Review status: criteria provided, single submitter. Criteria: GeneDx Variant Classification Process June 2021. Collection method: clinical testing. Allele origin: germline. Affected: yes.
Comment: Nonsense variant predicted to result in protein truncation or nonsense mediated decay in a gene or region of a gene for which loss of function is not a well-established mechanism of disease; Has not been previously published as pathogenic or benign to our knowledge